The following is an entry in ClinVar:

NM_133433.4(NIPBL):c.3015A>G (p.Leu1005=)

Gene: NIPBL (NIPBL cohesin loading factor; plus strand). Cytogenetic location: 5p13.2.
Variant type: single nucleotide variant.
Coding change: c.3015A>G on transcript NM_133433.4 (MANE Select); coding-DNA position 3015, A replaced by G.
Protein change: p.Leu1005=; no amino-acid change (leucine 1005 retained).
Molecular consequence: synonymous variant.
Genome position (GRCh38, 1-based): chr5:36,986,195, A>G. VCF-style: chr5-36986195-A-G. GRCh37 (hg19) VCF-style: chr5-36986297-A-G.
Other names: p.L1005L:CTA>CTG; c.3015A>G, p.Leu1005= (NM_015384.5).
Identifiers: ClinVar variation 96339 (VCV000096339.32), dbSNP rs1669445, ClinGen allele CA149444.

ClinVar aggregate classification (germline): Benign. Review status: criteria provided, multiple submitters, no conflicts (2 of 4 stars). 10 submissions from 10 submitters: Benign (9). 1 of the submissions does not count toward it. Last evaluated 2026-02-03.

Conditions:
Inborn genetic diseases. Identifiers: MedGen C0950123, MeSH D030342.
Cornelia de Lange syndrome 1 (CDLS1). Also called: NIPBL-Related Cornelia de Lange Syndrome; Brachmann de Lange syndrome; TYPUS DEGENERATIVUS AMSTELODAMENSIS. Identifiers: Orphanet 199, MedGen C4551851, MONDO:0007387, OMIM 122470.

Allele frequency attached by ClinVar (database versions not stated): TOPMed 0.03801; ESP Exome Variant Server 0.03883; 1000 Genomes Project 30x 0.03919; gnomAD exomes 0.00304 and 0.00860; ExAC 0.01094; gnomAD 0.03286 and 0.03530; 1000 Genomes Project 0.03674.
gnomAD v4.1: 9,602 of 1,608,350 alleles (0.6%); highest among the groups gnomAD compares: African/African-American, 11%; 515 homozygotes.

Submissions (10):

Labcorp Genetics (formerly Invitae), Labcorp
Classification: Benign for Cornelia de Lange syndrome 1. Last evaluated: 2026-02-03. Review status: criteria provided, single submitter. Criteria: Invitae Variant Classification Sherloc (09022015). Collection method: clinical testing. Allele origin: germline.

Fulgent Genetics
Classification: Benign for Cornelia de Lange syndrome 1. Last evaluated: 2022-04-25. Review status: criteria provided, single submitter. Criteria: ACMG Guidelines, 2015. Collection method: clinical testing. Allele origin: unknown.

Genome-Nilou Lab
Classification: Benign for Cornelia de Lange syndrome 1. Last evaluated: 2021-07-15. Review status: criteria provided, single submitter. Criteria: ACMG Guidelines, 2015. Collection method: clinical testing. Allele origin: germline. Affected: no.

Illumina Laboratory Services, Illumina
Classification: Benign for Cornelia de Lange syndrome 1. Last evaluated: 2018-01-13. Review status: criteria provided, single submitter. Criteria: ICSL Variant Classification Criteria 13 December 2019. Collection method: clinical testing. Allele origin: germline.
Comment: This variant was observed in the ICSL laboratory as part of a predisposition screen in an ostensibly healthy population. It had not been previously curated by ICSL or reported in the Human Gene Mutation Database (HGMD: prior to June 1st, 2018), and was therefore a candidate for classification through an automated scoring system. Utilizing variant allele frequency, disease prevalence and penetrance estimates, and inheritance mode, an automated score was calculated to assess if this variant is too frequent to cause the disease. Based on the score and internal cut-off values, a variant classified as benign is not then subjected to further curation. The score for this variant resulted in a classification of benign for this disease.

Ambry Genetics
Classification: Benign for Inborn genetic diseases. Last evaluated: 2016-03-16. Review status: criteria provided, single submitter. Criteria: Ambry Variant Classification Scheme 2023. Collection method: clinical testing. Allele origin: germline.

Eurofins Ntd Llc (ga)
Classification: Benign. Last evaluated: 2014-06-04. Review status: criteria provided, single submitter. Criteria: EGL Classification Definitions 2015. Collection method: clinical testing. Allele origin: germline. Observed: 3 variant alleles, 3 heterozygotes.

GeneDx
Classification: Benign. Last evaluated: 2014-04-28. Review status: criteria provided, single submitter. Criteria: GeneDx Variant Classification (06012015). Collection method: clinical testing. Allele origin: germline. Affected: yes.
Comment: This variant is considered likely benign or benign based on one or more of the following criteria: it is a conservative change, it occurs at a poorly conserved position in the protein, it is predicted to be benign by multiple in silico algorithms, and/or has population frequency not consistent with disease.

Breakthrough Genomics
Classification: Benign. Review status: criteria provided, single submitter. Criteria: ACMG Guidelines, 2015. Collection method: not provided. Allele origin: germline. Inheritance: Autosomal dominant inheritance. Affected: yes.

PreventionGenetics, part of Exact Sciences
Classification: Benign. Review status: criteria provided, single submitter. Criteria: ACMG Guidelines, 2015. Collection method: clinical testing. Allele origin: germline.

Genetic Services Laboratory, University of Chicago
Classification: Benign for Cornelia de Lange syndrome 1. Last evaluated: 2013-02-19. Review status: no assertion criteria provided. Collection method: clinical testing. Allele origin: germline. Affected: yes. Not counted in ClinVar's aggregate classification.